The following is an entry in ClinVar:

ClinVar aggregate classification (germline): Likely pathogenic (1 of 4 stars; one submission).

Conditions:
Craniosynostosis 7 (CRS7). Also called: CRANIOSYNOSTOSIS 7, DIGENIC; CRS7, DIGENIC. Identifiers: MedGen C4479496, MONDO:0044315, OMIM 617439.

Submission:

Variantyx, Inc.
Classification: Likely pathogenic for Craniosynostosis 7. Last evaluated: 2025-10-18. Review status: criteria provided, single submitter. Criteria: Variantyx Assertion Criteria 2022. Collection method: clinical testing. Allele origin: germline. Inheritance: Autosomal dominant inheritance. Affected: yes.
Comment: This is a frameshift variant in the SMAD6 gene (OMIM: 602931). Pathogenic variants in this gene have been associated with autosomal dominant susceptibility to craniosynostosis 7. This variant introduces a premature termination codon in exon one out of 4 and is expected to result in loss of function, which is a known disease mechanism for SMAD6 in this disorder (PMID: 36414630, 21681813) (PVS1). This variant is absent from control populations (PM2) and it has not been reported in individuals with SMAD6-related disorders in the databases available for review. Based on the current evidence, this variant is classified as likely pathogenic for autosomal dominant susceptibility to craniosynostosis 7. Pathogenic variants in SMAD6 are associated with incomplete penetrance of craniosynostosis. The common rs1884302 risk allele has been shown to act as a genetic modifier that significantly increases disease penetrance in carriers of pathogenic SMAD6 variants (PMID: 27606499).

Literature cited by the submitters: PubMed 36414630; PubMed 21681813.

NM_005585.5(SMAD6):c.194del (p.Pro65fs)

Gene: SMAD6 (SMAD family member 6; plus strand). Cytogenetic location: 15q22.31.
Variant type: Deletion.
Coding change: c.194del on transcript NM_005585.5 (MANE Select); coding-DNA position 194, one base deleted (C; older notation c.194delC).
Protein change: p.Pro65fs; shifts the reading frame from proline 65.
Molecular consequence: frameshift variant. On other transcripts: non-coding transcript variant (1).
Genome position (GRCh38, 1-based): chr15:66,703,452, C deleted; the last of 4 consecutive C bases (chr15:66,703,449-66,703,452); deleting any one gives the same sequence. VCF-style (leftmost placement, unchanged base first): chr15-66703448-GC-G. GRCh37 (hg19) VCF-style: chr15-66995786-GC-G.
Other names: short protein forms P65fs.
Identifiers: ClinVar variation 4850005 (VCV004850005.1).